The following is an entry in ClinVar:

ClinVar aggregate classification (germline): Pathogenic. Review status: criteria provided, multiple submitters, no conflicts (2 of 4 stars). 3 submissions from 3 submitters: Pathogenic (3). Last evaluated 2026-07-21.

Conditions:
Hereditary cancer-predisposing syndrome. Also called: Tumor predisposition; Hereditary neoplastic syndrome; Hereditary Cancer Syndrome; Neoplastic Syndromes, Hereditary. Identifiers: Orphanet 140162, MedGen C0027672, MeSH D009386, MONDO:0015356.
Ataxia-telangiectasia syndrome (AT). Also called: LOUIS-BAR SYNDROME; Ataxia-telangiectasia, complementation group E; ATAXIA-TELANGIECTASIA, COMPLEMENTATION GROUP A; ATAXIA-TELANGIECTASIA, FRESNO VARIANT; Ataxia-telangiectasia; Cerebello-oculocutaneous telangiectasia. Identifiers: Orphanet 100, MedGen C0004135, MONDO:0008840, OMIM 208900.

Allele frequency attached by ClinVar (database versions not stated): 1000 Genomes Project 0.00020; 1000 Genomes Project 30x 0.00016; ExAC 0.00001; gnomAD 0.00001.
gnomAD v4.1: 1 of 1,613,846 alleles (0.000062%); highest among the groups gnomAD compares: African/African-American, 0.0013%; no homozygotes.

Submissions (3):

Ambry Genetics
Classification: Pathogenic for Hereditary cancer-predisposing syndrome. Last evaluated: 2026-07-21. Review status: criteria provided, single submitter. Criteria: Ambry Variant Classification Scheme 2023. Collection method: clinical testing. Allele origin: germline.
Comment: The p.Q1311* pathogenic mutation (also known as c.3931C>T), located in coding exon 25 of the ATM gene, results from a C to T substitution at nucleotide position 3931. This changes the amino acid from a glutamine to a stop codon within coding exon 25. This variant was reported as homozygous in individual(s) with features consistent with ataxia-telangiectasia (Perreault S et al. Pediatr. Neurol. 2012 May; 46(5):322-4). This alteration is expected to result in loss of function by premature protein truncation or nonsense-mediated mRNA decay. As such, this alteration is interpreted as a disease-causing mutation.

Labcorp Genetics (formerly Invitae), Labcorp
Classification: Pathogenic for Ataxia-telangiectasia syndrome. Last evaluated: 2024-01-29. Review status: criteria provided, single submitter. Criteria: Invitae Variant Classification Sherloc (09022015). Collection method: clinical testing. Allele origin: germline.
Comment: This sequence change creates a premature translational stop signal (p.Gln1311*) in the ATM gene. It is expected to result in an absent or disrupted protein product. Loss-of-function variants in ATM are known to be pathogenic (PMID: 23807571, 25614872). This variant is present in population databases (rs200976093, gnomAD 0.007%). This premature translational stop signal has been observed in individual(s) with clinical features of ATM-related conditions (PMID: 22520355, 30322717). ClinVar contains an entry for this variant (Variation ID: 127378). For these reasons, this variant has been classified as Pathogenic.

GeneDx
Classification: Pathogenic. Last evaluated: 2014-01-20. Review status: criteria provided, single submitter. Criteria: GeneDx Variant Classification (06012015). Collection method: clinical testing. Allele origin: germline. Affected: yes.
Comment: This pathogenic variant is denoted ATM c.3931C>T at the cDNA level and p.Gln1311Ter (Q1311X) at the protein level. This substitution creates a nonsense variant, changing a Glutamine to a premature stop codon (CAA>TAA). This variant is predicted to cause loss of normal protein function through either protein truncation or nonsense-mediated mRNA decay. This variant has been reported in association with recessively-inherited Ataxia-telangiectasia (Perreault 2012). We therefore consider this variant to be pathogenic.

Literature cited by the submitters: PubMed 22520355 (cited by Ambry Genetics and Labcorp Genetics (formerly Invitae), Labcorp); PubMed 23807571 (cited by Labcorp Genetics (formerly Invitae), Labcorp); PubMed 25614872 (cited by Labcorp Genetics (formerly Invitae), Labcorp); PubMed 30322717 (cited by Labcorp Genetics (formerly Invitae), Labcorp).

NM_000051.4(ATM):c.3931C>T (p.Gln1311Ter)

Gene: ATM (ATM serine/threonine kinase; plus strand). Cytogenetic location: 11q22.3.
Variant type: single nucleotide variant.
Coding change: c.3931C>T on transcript NM_000051.4 (MANE Select); coding-DNA position 3931, C replaced by T.
Protein change: p.Gln1311Ter; replaces glutamine 1311 with a stop codon.
Molecular consequence: nonsense.
Genome position (GRCh38, 1-based): chr11:108,284,411, C>T. VCF-style: chr11-108284411-C-T. GRCh37 (hg19) VCF-style: chr11-108155138-C-T.
Other names: p.Q1311*:CAA>TAA; c.3931C>T, p.Gln1311Ter (NM_001351834.2); short protein forms Q1311*.
Identifiers: ClinVar variation 127378 (VCV000127378.10), dbSNP rs200976093, ClinGen allele CA286822.